The following is an entry in ClinVar:

ClinVar aggregate classification (germline): Uncertain significance (1 of 4 stars; one submission).

Conditions:
Familial hemophagocytic lymphohistiocytosis 2 (FHL2). Also called: PRF1-Related Familial Hemophagocytic Lymphohistiocytosis (PRF1-fHLH). Identifiers: Orphanet 540, MedGen C1863727, MONDO:0011337, OMIM 603553.

Allele frequency attached by ClinVar (database versions not stated): gnomAD exomes 0.00002; TOPMed 0.00005; ExAC 0.00006.

Submission:

Labcorp Genetics (formerly Invitae), Labcorp
Classification: Uncertain significance for Familial hemophagocytic lymphohistiocytosis 2. Last evaluated: 2022-01-16. Review status: criteria provided, single submitter. Criteria: Invitae Variant Classification Sherloc (09022015). Collection method: clinical testing. Allele origin: germline.
Comment: This sequence change replaces arginine, which is basic and polar, with glutamine, which is neutral and polar, at codon 68 of the PRF1 protein (p.Arg68Gln). This variant is present in population databases (rs753522684, gnomAD 0.03%). This variant has not been reported in the literature in individuals affected with PRF1-related conditions. Algorithms developed to predict the effect of missense changes on protein structure and function output the following: SIFT: "Tolerated"; PolyPhen-2: "Benign"; Align-GVGD: "Class C0". The glutamine amino acid residue is found in multiple mammalian species, which suggests that this missense change does not adversely affect protein function. In summary, the available evidence is currently insufficient to determine the role of this variant in disease. Therefore, it has been classified as a Variant of Uncertain Significance.

NM_001083116.3(PRF1):c.203G>A (p.Arg68Gln)

Gene: PRF1 (perforin 1; minus strand). Cytogenetic location: 10q22.1.
Variant type: single nucleotide variant.
Coding change: c.203G>A on transcript NM_001083116.3 (MANE Select); coding-DNA position 203, G replaced by A.
Protein change: p.Arg68Gln; replaces arginine 68 with glutamine.
Molecular consequence: missense variant.
Genome position (GRCh38, 1-based): chr10:70,600,700, C>T on the plus strand (G>A on the coding strand, the complement: PRF1 is on the minus strand). VCF-style: chr10-70600700-C-T. GRCh37 (hg19) VCF-style: chr10-72360456-C-T.
Other names: c.203G>A, p.Arg68Gln (NM_005041.6); short protein forms R68Q.
Identifiers: ClinVar variation 2048345 (VCV002048345.1), dbSNP rs753522684, ClinGen allele CA5539100.